The following is an entry in ClinVar:

ClinVar aggregate classification (germline): Uncertain significance. Review status: criteria provided, multiple submitters, no conflicts (2 of 4 stars). 9 submissions from 9 submitters: Uncertain significance (8). 1 of the submissions does not count toward it. Last evaluated 2025-09-24.

Conditions:
Nonsyndromic genetic hearing loss. Also called: Non-syndromic genetic deafness; Nonsyndromic genetic deafness; Nonsyndromic hearing loss and deafness. Identifiers: Orphanet 87884, MedGen C5680182, MONDO:0019497.
Autosomal recessive nonsyndromic hearing loss 1A (DFNB1A). Also called: GJB6-Related DFNB 1 Nonsyndromic Hearing Loss and Deafness; GJB2-Related Autosomal Recessive Nonsyndromic Hearing Loss; Deafness, autosomal recessive 1A; Nonsyndromic Hearing Loss and Deafness, DFNB1; Connexin 26 deafness; Deafness nonsyndromic, Connexin 26 linked. Identifiers: Orphanet 90636, MedGen C2673759, MONDO:0009076, OMIM 220290.

Allele frequency attached by ClinVar (database versions not stated): gnomAD 0.00004; gnomAD exomes 0.00005 and 0.00006; TOPMed 0.00006; ExAC 0.00007.

Submissions (9):

GeneDx
Classification: Uncertain significance. Last evaluated: 2025-09-24. Review status: criteria provided, single submitter. Criteria: GeneDx Variant Classification Process June 2021. Collection method: clinical testing. Allele origin: germline. Affected: yes.
Comment: Observed multiple times in individuals with hearing loss; however, it is most commonly observed as heterozygous in cases of sporadic hearing loss where no other GJB2 variant is identified (PMID: 15666300, 17671735, 24158611); Observed with a pathogenic variant on the opposite allele (in trans) in an unaffected individual (PMID: 21916817); In silico analysis indicates that this missense variant does not alter protein structure/function; This variant is associated with the following publications: (PMID: 22695344, 11556849, 24158611, 25447126, 25388846, 24156272, 28483220, 19887791, 19081147, 19371219, 17666888, 15964725, 17671735, 25012701, 12172394, 12925341, 26990548, 36048236, 30245029, 30275481, 33096615, 27169813, 15666300, 21916817)

Women's Health and Genetics/Laboratory Corporation of America, LabCorp
Classification: Uncertain significance. Last evaluated: 2025-08-01. Review status: criteria provided, single submitter. Criteria: LabCorp Variant Classification Summary - May 2015. Collection method: clinical testing. Allele origin: germline.
Comment: Variant summary: GJB2 c.385G>A (p.Glu129Lys) results in a conservative amino acid change located in the Connexin, N-terminal (IPR013092) of the encoded protein sequence. Algorithms developed to predict the effect of missense changes on protein structure and function are either unavailable or do not agree on the potential impact of this missense change. The variant allele was found at a frequency of 6.4e-05 in 250484 control chromosomes. This frequency is not significantly higher than estimated for a pathogenic variant in GJB2 causing Non-Syndromic Hearing Loss (6.4e-05 vs 0.026), allowing no conclusion about variant significance. c.385G>A has been observed in multiple heterozygous individuals affected with Non-Syndromic Hearing Loss (Example: Buonfiglio_2020, Dalamn_2005, Kenna_2001, Putcha_2007, Tth_2007, Wu_2002). The variant has also been seen in at-least one bi-allelic individual affected with NSHL (example: Primignani_GTMB_2009). These data do not allow any conclusion about variant significance. To our knowledge, no experimental evidence demonstrating an impact on protein function has been reported. The following publications have been ascertained in the context of this evaluation (PMID: 33096615, 21916817, 15964725, 24158611, 11556849, 17666888, 17671735, 12172394, 19371219). ClinVar contains an entry for this variant (Variation ID: 44747). Based on the evidence outlined above, the variant was classified as uncertain significance.

Blueprint Genetics
Classification: Uncertain significance. Last evaluated: 2024-11-26. Review status: criteria provided, single submitter. Criteria: ACMG Guidelines, 2015. Collection method: clinical testing. Allele origin: germline.

Laboratory for Molecular Medicine, Mass General Brigham Personalized Medicine
Classification: Uncertain significance. Last evaluated: 2022-06-30. Review status: criteria provided, single submitter. Criteria: ACMG Guidelines, 2015. Collection method: clinical testing. Allele origin: germline.
Comment: The p.Glu129Lys variant in GJB2 has been reported in 5 individuals with sensorineural hearing loss (Kenna 2001, Dalamón 2005, Najmabadi 2005, Primignani 2009, Putcha 2007). Only 1 of these individuals had a variant on the other allele, though the one other variant (Ala40Gly) is also of unknown significance. In another family, both the father and proband had unilateral high frequency sensorineural hearing loss raising the possibility of a dominant pattern of inheritance (Kenna 2001) though this is not consistent with the other 4 cases in the literature. This variant has not been identified in large and broad ethnically-matched populations by NHLBI Exome Sequencing Project. Computational analyses (biochemical amino acid properties, conservation, AlignGVGD, PolyPhen2, and SIFT) suggest that the variant may not impact the protein, though this information is not predictive enough to rule out pathogenicity. In summary, additional data is needed to determine the clinical significance of this variant; however, given the absence of clear disease-causing variants on the second allele of any of the reported case, we would lean towards a more likely benign interpretation. ACMG/AMP Criteria applied: BP2.

Labcorp Genetics (formerly Invitae), Labcorp
Classification: Uncertain significance. Last evaluated: 2022-03-29. Review status: criteria provided, single submitter. Criteria: Invitae Variant Classification Sherloc (09022015). Collection method: clinical testing. Allele origin: germline.
Comment: This sequence change replaces glutamic acid, which is acidic and polar, with lysine, which is basic and polar, at codon 129 of the GJB2 protein (p.Glu129Lys). This variant is present in population databases (rs397516875, gnomAD 0.01%). This missense change has been observed in individual(s) with GJB2-related conditions (PMID: 19371219, 33096615). ClinVar contains an entry for this variant (Variation ID: 44747). Advanced modeling of protein sequence and biophysical properties (such as structural, functional, and spatial information, amino acid conservation, physicochemical variation, residue mobility, and thermodynamic stability) performed at Invitae indicates that this missense variant is not expected to disrupt GJB2 protein function. In summary, the available evidence is currently insufficient to determine the role of this variant in disease. Therefore, it has been classified as a Variant of Uncertain Significance.

INGEBI, INGEBI / CONICET
Classification: Uncertain significance for Nonsyndromic hearing loss and deafness. Last evaluated: 2020-08-31. Review status: criteria provided, single submitter. Criteria: ClinGen HL ACMG Specifications v1. Collection method: clinical testing. Allele origin: germline. Affected: yes. Observed: 1 variant allele, 1 heterozygote.
Comment: Based on ACMG/AMP guidelines and Hearing Loss Expert Panel specific criteria: the filtering allele frequency of c.385G>A, p.(Glu129Lys) variant in GJB2 gene is 0,00385% (4/35432 Latino alleles with 95%CI) from Genome Aggregation Database (calculated by using inverse allele frequency at an online resource) which meets the criteria to apply to PM2 rule. Computational evidence was not enough to neither apply to PP3 nor BP4 since REVEL score was 0.560. The p.(Glu129Lys) change has been identified in heterozygous state in six patients (PMID: 15666300, 17666888, 15964725, 11556849). However, since segregation analysis was not performed, this information was not counted. On the other hand, p.(Glu129Lys) has been identified in trans with a presumed pathogenic variant (p.Ala40Gly) (PMID: 19371219) meeting PM3 criteria. In summary, the clinical significance of this variant is currently uncertain (PM2, PM3).

Eurofins Ntd Llc (ga)
Classification: Uncertain significance. Last evaluated: 2017-12-12. Review status: criteria provided, single submitter. Criteria: EGL Classification Definitions 2015. Collection method: clinical testing. Allele origin: germline. Observed: 1 variant allele, 1 heterozygote.

Victorian Clinical Genetics Services, Murdoch Childrens Research Institute
Classification: Uncertain significance for Autosomal recessive nonsyndromic hearing loss 1A. Last evaluated: 2017-09-12. Review status: criteria provided, single submitter. Criteria: ACMG Guidelines, 2015. Collection method: clinical testing. Allele origin: unknown. Affected: yes.
Comment: A heterozygous missense variant was identified, NM_004004.5(GJB2):c.385G>A in exon 2 of the GJB2 gene. This substitution creates a minor amino acid change from an glutamic acid to a lysine at position 129, NP_003995.2(GJB2):p.(Glu129Lys). The glutamic acid at this position has low conservation (100 vertebrates, UCSC). In silico predictions of the pathogenicity of this variant are conflicting (Polyphen, SIFT, CADD, Mutation Taster). This variant has been previously observed in other deafness cases (Kenna, MA. et al. (2001), Dalamon, V. et al. (2005), Wu, B-L. et al. (2002) and Toth, T. et al. (2007)) and reported as PATHOGENIC in the Deafness Variation Database but evidence for its pathogenicity is conflicting and it is designated as a variant of uncertain significance in ClinVar. This variant is present in the gnomAD population database at a frequency of 0.0057% (14/245256, 0 hom). It is not situated in a known functional domain. Based on current information, this variant has been classified as a VARIANT of UNKNOWN SIGNIFICANCE (VUS).

Natera, Inc.
Classification: Uncertain significance for Autosomal recessive deafness type 1A. Last evaluated: 2020-09-16. Review status: no assertion criteria provided. Collection method: clinical testing. Allele origin: germline. Not counted in ClinVar's aggregate classification.

Literature cited by the submitters: PubMed 11556849 (cited by 3 submitters); PubMed 12172394 (cited by Women's Health and Genetics/Laboratory Corporation of America, LabCorp); PubMed 17666888 (cited by 3 submitters); PubMed 15964725 (cited by 3 submitters); PubMed 19371219 (cited by 3 submitters); PubMed 24158611 (cited by Women's Health and Genetics/Laboratory Corporation of America, LabCorp); PubMed 33096615 (cited by Women's Health and Genetics/Laboratory Corporation of America, LabCorp and Labcorp Genetics (formerly Invitae), Labcorp); PubMed 21916817 (cited by Women's Health and Genetics/Laboratory Corporation of America, LabCorp); PubMed 17671735 (cited by Women's Health and Genetics/Laboratory Corporation of America, LabCorp); PubMed 15666300 (cited by Laboratory for Molecular Medicine, Mass General Brigham Personalized Medicine and INGEBI, INGEBI / CONICET).

NM_004004.6(GJB2):c.385G>A (p.Glu129Lys)

Gene: GJB2 (gap junction protein beta 2; minus strand). Cytogenetic location: 13q12.11.
Variant type: single nucleotide variant.
Coding change: c.385G>A on transcript NM_004004.6 (MANE Select); coding-DNA position 385, G replaced by A.
Protein change: p.Glu129Lys; replaces glutamic acid 129 with lysine.
Molecular consequence: missense variant.
Genome position (GRCh38, 1-based): chr13:20,189,197, C>T on the plus strand (G>A on the coding strand, the complement: GJB2 is on the minus strand). VCF-style: chr13-20189197-C-T. GRCh37 (hg19) VCF-style: chr13-20763336-C-T.
Other names: short protein forms E129K.
Identifiers: ClinVar variation 44747 (VCV000044747.23), dbSNP rs397516875, ClinGen allele CA134970.